The following is an entry in ClinVar:

NM_021629.4(GNB4):c.752G>A (p.Arg251Gln)

Gene: GNB4 (G protein subunit beta 4; minus strand). Cytogenetic location: 3q26.33.
Variant type: single nucleotide variant.
Coding change: c.752G>A on transcript NM_021629.4 (MANE Select); coding-DNA position 752, G replaced by A.
Protein change: p.Arg251Gln; replaces arginine 251 with glutamine.
Molecular consequence: missense variant.
Genome position (GRCh38, 1-based): chr3:179,405,354, C>T on the plus strand (G>A on the coding strand, the complement: GNB4 is on the minus strand). VCF-style: chr3-179405354-C-T. GRCh37 (hg19) VCF-style: chr3-179123142-C-T.
Other names: c.752G>A (NM_021629.3); short protein forms R251Q.
Identifiers: ClinVar variation 2157547 (VCV002157547.5), dbSNP rs770241406, ClinGen allele CA2712417.

ClinVar aggregate classification (germline): Uncertain significance. Review status: criteria provided, multiple submitters, no conflicts (2 of 4 stars). 2 submissions from 2 submitters: Uncertain significance (2). Last evaluated 2025-02-13.

Conditions:
Inborn genetic diseases. Identifiers: MedGen C0950123, MeSH D030342.
Charcot-Marie-Tooth disease dominant intermediate F. Identifiers: Orphanet 352670, MedGen C4749463, MONDO:0014074, OMIM 615185.

Allele frequency attached by ClinVar (database versions not stated): TOPMed below 0.00001; ExAC 0.00001; gnomAD 0.00001; gnomAD exomes 0.00001.
gnomAD v4.1: 12 of 1,613,700 alleles (0.00074%); highest among the groups gnomAD compares: Middle Eastern, 0.016%; no homozygotes.

Submissions (2):

Ambry Genetics
Classification: Uncertain significance for Inborn genetic diseases. Last evaluated: 2025-02-13. Review status: criteria provided, single submitter. Criteria: Ambry Variant Classification Scheme 2023. Collection method: clinical testing. Allele origin: germline.

Labcorp Genetics (formerly Invitae), Labcorp
Classification: Uncertain significance for Charcot-Marie-Tooth disease dominant intermediate F. Last evaluated: 2022-05-08. Review status: criteria provided, single submitter. Criteria: Invitae Variant Classification Sherloc (09022015). Collection method: clinical testing. Allele origin: germline.
Comment: This sequence change replaces arginine, which is basic and polar, with glutamine, which is neutral and polar, at codon 251 of the GNB4 protein (p.Arg251Gln). In summary, the available evidence is currently insufficient to determine the role of this variant in disease. Therefore, it has been classified as a Variant of Uncertain Significance. Algorithms developed to predict the effect of missense changes on protein structure and function are either unavailable or do not agree on the potential impact of this missense change (SIFT: "Tolerated"; PolyPhen-2: "Probably Damaging"; Align-GVGD: "Class C0"). This variant has not been reported in the literature in individuals affected with GNB4-related conditions. This variant is present in population databases (rs770241406, gnomAD 0.003%).